The following is an entry in ClinVar:

NM_000135.4(FANCA):c.2606A>C (p.Gln869Pro)

Genes: FANCA (FA complementation group A; minus strand), LOC130059837 (ATAC-STARR-seq lymphoblastoid active region 11420; plus strand). Cytogenetic location: 16q24.3.
Variant type: single nucleotide variant.
Coding change: c.2606A>C on transcript NM_000135.4 (MANE Select); coding-DNA position 2606, A replaced by C.
Protein change: p.Gln869Pro; replaces glutamine 869 with proline.
Molecular consequence: missense variant.
Genome position (GRCh38, 1-based): chr16:89,765,062, T>G on the plus strand (A>C on the coding strand, the complement: FANCA is on the minus strand). VCF-style: chr16-89765062-T-G. GRCh37 (hg19) VCF-style: chr16-89831470-T-G.
Other names: c.2606A>C (LRG_495t1, NM_000135.3); c.2606A>C, p.Gln869Pro (NM_001286167.3); short protein forms Q869P.
Identifiers: ClinVar variation 215981 (VCV000215981.69), dbSNP rs780825099, ClinGen allele CA338977.

ClinVar aggregate classification (germline): Pathogenic/Likely pathogenic. Review status: criteria provided, multiple submitters, no conflicts (2 of 4 stars). 12 submissions from 12 submitters: Pathogenic (4); Likely pathogenic (7). 1 of the submissions does not count toward it. Last evaluated 2025-11-18.

Conditions:
Fanconi anemia complementation group A (FANCA). Also called: FANCA-Related Fanconi Anemia; Fanconi anemia, group A. Identifiers: Orphanet 84, MedGen C3469521, MONDO:0009215, OMIM 227650.
FANCA-related disorders.
Fanconi anemia (FA). Also called: Fanconi's anemia. Identifiers: Orphanet 84, MedGen C0015625, MeSH D005199, MONDO:0019391.

Allele frequency attached by ClinVar (database versions not stated): TOPMed below 0.00001; gnomAD 0.00001; gnomAD exomes 0.00001 and 0.00003; ExAC 0.00002.
gnomAD v4.1: 40 of 1,613,936 alleles (0.0025%); highest among the groups gnomAD compares: Non-Finnish European, 0.0033%; no homozygotes.

Submissions (12):

Labcorp Genetics (formerly Invitae), Labcorp
Classification: Pathogenic for Fanconi anemia. Last evaluated: 2025-11-18. Review status: criteria provided, single submitter. Criteria: Invitae Variant Classification Sherloc (09022015). Collection method: clinical testing. Allele origin: germline.
Comment: This sequence change replaces glutamine, which is neutral and polar, with proline, which is neutral and non-polar, at codon 869 of the FANCA protein (p.Gln869Pro). This variant is present in population databases (rs780825099, gnomAD 0.003%). This missense change has been observed in individual(s) with clinical features of Fanconi anemia (PMID: 15643609, 17924555, 29098742; internal data). In at least one individual the data is consistent with being in trans (on the opposite chromosome) from a pathogenic variant. ClinVar contains an entry for this variant (Variation ID: 215981). Invitae Evidence Modeling of protein sequence and biophysical properties (such as structural, functional, and spatial information, amino acid conservation, physicochemical variation, residue mobility, and thermodynamic stability) indicates that this missense variant is expected to disrupt FANCA protein function with a positive predictive value of 95%. Experimental studies have shown that this missense change affects FANCA function (PMID: 16720839, 17924555). Algorithms developed to predict the effect of sequence changes on RNA splicing suggest that this variant may disrupt the consensus splice site. For these reasons, this variant has been classified as Pathogenic.

Women's Health and Genetics/Laboratory Corporation of America, LabCorp
Classification: Pathogenic for Fanconi anemia. Last evaluated: 2024-12-06. Review status: criteria provided, single submitter. Criteria: LabCorp Variant Classification Summary - May 2015. Collection method: clinical testing. Allele origin: germline.
Comment: Variant summary: FANCA c.2606A>C (p.Gln869Pro) results in a non-conservative amino acid change located in the FANCA arcN subdomain of the encoded protein sequence. Four of five in-silico tools predict a damaging effect of the variant on protein function. The variant allele was found at a frequency of 1.2e-05 in 251330 control chromosomes. c.2606A>C has been reported in the literature in individuals affected with Fanconi Anemia (example: Levran_2005, Ameziane_2008,Kimble_2018, Internal data). These data indicate that the variant is likely to be associated with disease. At least one publication reports experimental evidence evaluating an impact on protein function. Experimental studies have shown that this variant affects normal protein function (Medhurst_2006, Ameziane_2008). The following publications have been ascertained in the context of this evaluation (PMID: 29098742, 15643609, 17924555, 6720839). ClinVar contains an entry for this variant (Variation ID: 215981). Based on the evidence outlined above, the variant was classified as pathogenic.

Natera, Inc.
Classification: Likely pathogenic for Fanconi anemia. Last evaluated: 2024-06-10. Review status: criteria provided, single submitter. Criteria: Natera Variant Classification Schema (03/2026). Collection method: clinical testing. Allele origin: germline.
Comment: The c.2606A>C variant in FANCA is a missense variant predicted to cause substitution of glutamine to proline at amino acid 869. This variant is rare in the general population with a frequency below the threshold expected for the associated phenotype(s). This variant has been observed in one or more individuals affected with the associated recessive disease, as either homozygous or compound heterozygous with a second variant (PMID: 29098742). Computational prediction algorithms indicate this variant is likely to affect gene or protein function. Given the available evidence, this variant is classified as Likely Pathogenic.

Baylor Genetics
Classification: Pathogenic for Fanconi anemia complementation group A. Last evaluated: 2024-03-19. Review status: criteria provided, single submitter. Criteria: ACMG Guidelines, 2015. Collection method: clinical testing. Allele origin: unknown.

Fulgent Genetics
Classification: Likely pathogenic for Fanconi anemia complementation group A. Last evaluated: 2024-03-14. Review status: criteria provided, single submitter. Criteria: ACMG Guidelines, 2015. Collection method: clinical testing. Allele origin: germline.

Myriad Genetics, Inc.
Classification: Likely pathogenic for Fanconi anemia complementation group A. Last evaluated: 2021-11-10. Review status: criteria provided, single submitter. Criteria: Myriad Women's Health Autosomal Recessive and X-Linked Classification Criteria (2021). Collection method: clinical testing. Allele origin: unknown.
Comment: NM_000135.2(FANCA):c.2606A>C(Q869P) is a missense variant classified as likely pathogenic in the context of Fanconi anemia complementation group A. Q869P has been observed in cases with relevant disease (PMID: 29098742, 17924555, Czechowicz_2019_(no PMID; abstract), Shah_2019_(no PMID; abstract)). Functional assessments of this variant are available in the literature (PMID: 17924555, 16720839). Q869P has been observed in population frequency databases (gnomAD: NFE 0.003%). In summary, NM_000135.2(FANCA):c.2606A>C(Q869P) is a missense variant that has been observed more frequently in cases with the relevant disease than in healthy populations. Please note: this variant was assessed in the context of healthy population screening.

Institute of Medical Genetics and Applied Genomics, University Hospital Tübingen
Classification: Likely pathogenic. Last evaluated: 2021-09-15. Review status: criteria provided, single submitter. Criteria: ACMG Guidelines, 2015. Collection method: clinical testing. Allele origin: germline. Inheritance: Autosomal recessive inheritance. Affected: yes.

Blueprint Genetics
Classification: Likely pathogenic for FANCA-related disorders. Last evaluated: 2021-08-31. Review status: criteria provided, single submitter. Criteria: ACMG Guidelines, 2015. Collection method: clinical testing. Allele origin: germline. Affected: yes. Observed: 4 variant alleles.

Laboratorio de Genetica e Diagnostico Molecular, Hospital Israelita Albert Einstein
Classification: Likely pathogenic. Last evaluated: 2020-08-31. Review status: criteria provided, single submitter. Criteria: ACMG Guidelines, 2015. Collection method: clinical testing. Allele origin: germline. Affected: yes.
Comment: ACMG classification criteria: PS4, PM2, PM3, PP3

CeGaT Center for Human Genetics Tuebingen
Classification: Pathogenic. Last evaluated: 2019-12-01. Review status: criteria provided, single submitter. Criteria: CeGaT Center For Human Genetics Tuebingen Variant Classification Criteria Version 2. Collection method: clinical testing. Allele origin: germline. Affected: yes. Observed: 1 variant allele.

Revvity Omics, Revvity
Classification: Likely pathogenic for Fanconi anemia complementation group A. Last evaluated: 2019-05-14. Review status: criteria provided, single submitter. Criteria: ACMG Guidelines, 2015. Collection method: clinical testing. Allele origin: germline.

Leiden Open Variation Database
Classification: Pathogenic for Fanconi anemia complementation group A. Last evaluated: 2020-02-28. Review status: no assertion criteria provided. Collection method: curation. Allele origin: germline. Affected: yes. Not counted in ClinVar's aggregate classification.
Comment: Curator: Arleen D. Auerbach. Submitters to LOVD: Arleen D. Auerbach, Johan de Winter.

Literature cited by the submitters: PubMed 15643609 (cited by Labcorp Genetics (formerly Invitae), Labcorp and Women's Health and Genetics/Laboratory Corporation of America, LabCorp); PubMed 17924555 (cited by 4 submitters); PubMed 29098742 (cited by 4 submitters); PubMed 16720839 (cited by Labcorp Genetics (formerly Invitae), Labcorp and Myriad Genetics, Inc.); PubMed 6720839 (cited by Women's Health and Genetics/Laboratory Corporation of America, LabCorp).